The following is an entry in ClinVar:

NM_001384140.1(PCDH15):c.4765C>A (p.Arg1589Ser)

Gene: PCDH15 (protocadherin related 15; minus strand). Cytogenetic location: 10q21.1.
Variant type: single nucleotide variant.
Coding change: c.4765C>A on transcript NM_001384140.1 (MANE Select); coding-DNA position 4765, C replaced by A.
Protein change: p.Arg1589Ser; replaces arginine 1589 with serine.
Molecular consequence: missense variant.
Genome position (GRCh38, 1-based): chr10:53,807,037, G>T on the plus strand (C>A on the coding strand, the complement: PCDH15 is on the minus strand). VCF-style: chr10-53807037-G-T. GRCh37 (hg19) VCF-style: chr10-55566797-G-T.
Other names: c.4591C>A, p.Arg1531Ser (NM_001142771.2); c.4576C>A, p.Arg1526Ser (NM_001142772.2); c.4570C>A, p.Arg1524Ser (NM_001354420.2); c.4699C>A, p.Arg1567Ser (NM_001354429.2); short protein forms R1526S, R1531S, R1567S, R1589S, R1524S.
Identifiers: ClinVar variation 4977922 (VCV004977922.1).

ClinVar aggregate classification (germline): Uncertain significance (1 of 4 stars; one submission).

Conditions:
PCDH15-related disorder. Also called: PCDH15-related condition; PCDH15-related disorders.

gnomAD v4.1: 88 of 1,613,452 alleles (0.0055%); highest among the groups gnomAD compares: African/African-American, 0.096%; no homozygotes.

Submission:

PreventionGenetics, part of Exact Sciences
Classification: Uncertain significance for PCDH15-related condition. Last evaluated: 2026-03-13. Review status: criteria provided, single submitter. Criteria: ACMG Guidelines, 2015. Collection method: clinical testing. Allele origin: germline.
Comment: The PCDH15 c.4591C>A variant is predicted to result in the amino acid substitution p.Arg1531Ser. This variant is also present in the coding region of an alternative transcript, NM_001354429:c.4699C>A, which is predicted to result in the amino acid substitution p.(Arg1567Ser). To our knowledge, this variant has not been reported in the literature. This variant is reported in 0.087% of alleles in individuals of African descent in gnomAD. At this time, the clinical significance of this variant is uncertain due to the absence of conclusive functional and genetic evidence.